The following is an entry in ClinVar:

NM_000179.3(MSH6):c.2298T>C (p.His766=)

Gene: MSH6 (mutS homolog 6; plus strand). Cytogenetic location: 2p16.3.
Variant type: single nucleotide variant.
Coding change: c.2298T>C on transcript NM_000179.3 (MANE Select); coding-DNA position 2298, T replaced by C.
Protein change: p.His766=; no amino-acid change (histidine 766 retained).
Molecular consequence: synonymous variant. On other transcripts: non-coding transcript variant (5), intron variant (2).
Genome position (GRCh38, 1-based): chr2:47,800,281, T>C. VCF-style: chr2-47800281-T-C. GRCh37 (hg19) VCF-style: chr2-48027420-T-C.
Other names: c.2001T>C, p.His667= (NM_001406827.1, NM_001406828.1, NM_001406830.1 and 10 more transcripts); c.1392T>C, p.His464= (NM_001406829.1, NM_001281493.2, NM_001281494.2 and 6 more transcripts); c.1606+692T>C (NM_001406817.1); c.628-385T>C (NM_001407362.1); c.1908T>C, p.His636= (NM_001281492.2); c.2394T>C, p.His798= (NM_001406795.1, NM_001406802.1); c.2298T>C, p.His766= (NM_001406796.1, NM_001406798.1, NM_001406800.1 and 3 more transcripts); c.1773T>C, p.His591= (NM_001406799.1, NM_001406806.1, NM_001406807.1); and 3 more.
Identifiers: ClinVar variation 1789204 (VCV001789204.3), dbSNP rs768535330, ClinGen allele CA426121436.

ClinVar aggregate classification (germline): Benign/Likely benign. Review status: criteria provided, multiple submitters, no conflicts (2 of 4 stars). 2 submissions from 2 submitters: Benign (1); Likely benign (1). Last evaluated 2024-12-31.

Conditions:
Hereditary cancer-predisposing syndrome. Also called: Hereditary Cancer Syndrome; Hereditary neoplastic syndrome; Tumor predisposition; Neoplastic Syndromes, Hereditary. Identifiers: Orphanet 140162, MedGen C0027672, MeSH D009386, MONDO:0015356.
Lynch syndrome 5 (LYNCH5). Also called: Hereditary non-polyposis colorectal cancer, type 5; Colorectal cancer, hereditary nonpolyposis, type 5. Identifiers: Orphanet 144, MedGen C1833477, MONDO:0013710, OMIM 614350. Disease mechanism: loss of function.

Submissions (2):

Myriad Genetics, Inc.
Classification: Benign for Lynch syndrome 5. Last evaluated: 2024-12-31. Review status: criteria provided, single submitter. Criteria: Myriad Autosomal Dominant, Autosomal Recessive and X-Linked Classification Criteria (2023). Collection method: clinical testing. Allele origin: unknown.
Comment: This variant is considered benign. This variant is a silent/synonymous amino acid change and it is not expected to impact splicing.

Ambry Genetics
Classification: Likely benign for Hereditary cancer-predisposing syndrome. Last evaluated: 2021-11-09. Review status: criteria provided, single submitter. Criteria: Ambry Variant Classification Scheme 2023. Collection method: clinical testing. Allele origin: germline.